The following is an entry in ClinVar:

ClinVar aggregate classification (germline): Benign (1 of 4 stars; one submission).

Allele frequency attached by ClinVar (database versions not stated): 1000 Genomes Project 0.01717; 1000 Genomes Project 30x 0.01749; gnomAD 0.01878; TOPMed 0.02110.
gnomAD v4.1: 2,633 of 132,388 alleles (2%); highest among the groups gnomAD compares: African/African-American, 6.9%; 90 homozygotes.

Submission:

GeneDx
Classification: Benign. Last evaluated: 2018-06-14. Review status: criteria provided, single submitter. Criteria: GeneDx Variant Classification (06012015). Collection method: clinical testing. Allele origin: germline. Affected: yes.
Comment: This variant is considered likely benign or benign based on one or more of the following criteria: it is a conservative change, it occurs at a poorly conserved position in the protein, it is predicted to be benign by multiple in silico algorithms, and/or has population frequency not consistent with disease.

NM_001035.3(RYR2):c.5917-320G>T

Gene: RYR2 (ryanodine receptor 2; plus strand). Cytogenetic location: 1q43.
Variant type: single nucleotide variant.
Coding change: c.5917-320G>T on transcript NM_001035.3 (MANE Select); 320 bases into the intron before coding-DNA position 5917, G replaced by T.
Molecular consequence: intron variant.
Genome position (GRCh38, 1-based): chr1:237,623,445, G>T. VCF-style: chr1-237623445-G-T. GRCh37 (hg19) VCF-style: chr1-237786745-G-T.
Identifiers: ClinVar variation 668999 (VCV000668999.1), dbSNP rs75103309, ClinGen allele CA39836813.